The following is an entry in ClinVar:

ClinVar aggregate classification (germline): Uncertain significance. Review status: criteria provided, multiple submitters, no conflicts (2 of 4 stars). 2 submissions from 2 submitters: Uncertain significance (2). Last evaluated 2024-12-13.

Conditions:
PEX5-related disorder. Also called: PEX5-Related Disorders; PEX5-related condition.
Peroxisome biogenesis disorder 2B (PBD2B). Identifiers: Orphanet 44, MedGen C3550234, MONDO:0008736, OMIM 202370.

Allele frequency attached by ClinVar (database versions not stated): TOPMed below 0.00001; gnomAD 0.00001; gnomAD exomes 0.00001; ExAC 0.00002; 1000 Genomes Project 0.00020; 1000 Genomes Project 30x 0.00031.

Submissions (2):

PreventionGenetics, part of Exact Sciences
Classification: Uncertain significance for PEX5-related condition. Last evaluated: 2024-12-13. Review status: criteria provided, single submitter. Criteria: ACMG Guidelines, 2015. Collection method: clinical testing. Allele origin: germline.
Comment: The PEX5 c.800C>T variant is predicted to result in the amino acid substitution p.Thr267Ile. To our knowledge, this variant has not been reported in the literature. This variant is reported in 0.0062% of alleles in individuals of African descent in gnomAD. At this time, the clinical significance of this variant is uncertain due to the absence of conclusive functional and genetic evidence.

Labcorp Genetics (formerly Invitae), Labcorp
Classification: Uncertain significance for Peroxisome biogenesis disorder 2B. Last evaluated: 2022-07-03. Review status: criteria provided, single submitter. Criteria: Invitae Variant Classification Sherloc (09022015). Collection method: clinical testing. Allele origin: germline.
Comment: This sequence change replaces threonine, which is neutral and polar, with isoleucine, which is neutral and non-polar, at codon 267 of the PEX5 protein (p.Thr267Ile). This variant is present in population databases (rs759083753, gnomAD 0.007%). This variant has not been reported in the literature in individuals affected with PEX5-related conditions. ClinVar contains an entry for this variant (Variation ID: 1495839). Algorithms developed to predict the effect of missense changes on protein structure and function (SIFT, PolyPhen-2, Align-GVGD) all suggest that this variant is likely to be tolerated. In summary, the available evidence is currently insufficient to determine the role of this variant in disease. Therefore, it has been classified as a Variant of Uncertain Significance.

NM_001351132.2(PEX5):c.800C>T (p.Thr267Ile)

Gene: PEX5 (peroxisomal biogenesis factor 5; plus strand). Cytogenetic location: 12p13.31.
Variant type: single nucleotide variant.
Coding change: c.800C>T on transcript NM_001351132.2 (MANE Select); coding-DNA position 800, C replaced by T.
Protein change: p.Thr267Ile; replaces threonine 267 with isoleucine.
Molecular consequence: missense variant.
Genome position (GRCh38, 1-based): chr12:7,202,658, C>T. VCF-style: chr12-7202658-C-T. GRCh37 (hg19) VCF-style: chr12-7355254-C-T.
Other names: c.800C>T, p.Thr267Ile (NM_000319.5, NM_001131025.2, NM_001131026.2 and 6 more transcripts); c.845C>T, p.Thr282Ile (NM_001131023.2); c.689C>T, p.Thr230Ile (NM_001131024.2, NM_001351124.3, NM_001351126.2 and 10 more transcripts); c.734C>T, p.Thr245Ile (NM_001351135.3, NM_001351138.2); c.800C>T (NM_001131025.1); short protein forms T282I, T230I, T267I, T245I.
Identifiers: ClinVar variation 1495839 (VCV001495839.4), dbSNP rs759083753, ClinGen allele CA6426280.